The following is an entry in ClinVar:

Conditions:
Breast-ovarian cancer, familial, susceptibility to, 1 (BROVCA1). Also called: BRCA1 Hereditary Breast and Ovarian Cancer; OVARIAN CANCER, SUSCEPTIBILITY TO. Identifiers: Orphanet 145, MedGen C2676676, MONDO:0011450, OMIM 604370. Disease mechanism: loss of function.

Submission:

Brotman Baty Institute, University of Washington
No classification provided (evidence only). Condition: Breast-ovarian cancer, familial 1. Review status: no classification provided. Collection method: in vitro. Allele origin: not applicable. Functional consequence: functionally_abnormal.
ClinVar note: "not provided" was previously submitted as the classification for the variant. However, the classification appeared to be based only on an observation of functional data so it was converted to no classification on 2025-07-30.

NM_007294.4(BRCA1):c.81T>A (p.Cys27Ter)

Gene: BRCA1 (BRCA1 DNA repair associated; minus strand). Cytogenetic location: 17q21.31.
Variant type: single nucleotide variant.
Coding change: c.81T>A on transcript NM_007294.4 (MANE Select); coding-DNA position 81, T replaced by A.
Protein change: p.Cys27Ter; replaces cysteine 27 with a stop codon.
Molecular consequence: nonsense. On other transcripts: non-coding transcript variant (1), intron variant (1).
Genome position (GRCh38, 1-based): chr17:43,115,779, A>T on the plus strand (T>A on the coding strand, the complement: BRCA1 is on the minus strand). VCF-style: chr17-43115779-A-T. GRCh37 (hg19) VCF-style: chr17-41267796-A-T.
Other names: c.-108T>A (NM_001407571.1, NM_001407853.1, NM_001407879.1 and 52 more transcripts); c.81T>A, p.Cys27Ter (NM_001407581.1, NM_001407582.1, NM_001407583.1 and 192 more transcripts); c.-177T>A (NM_001407694.1, NM_001407696.1, NM_001407724.1 and 13 more transcripts); c.-181T>A (NM_001407695.1, NM_001408465.1); c.-61T>A (NM_001407697.1, NM_001407725.1, NM_001407728.1 and 47 more transcripts); c.-57T>A (NM_001407841.1); c.-224T>A (NM_001407889.1, NM_001407900.1, NM_001408492.1); c.-223T>A (NM_001407960.1, NM_001407962.1, NM_001408510.1 and 1 more transcripts); and 2 more; short protein forms C27*.
Identifiers: ClinVar variation 867462 (VCV000867462.3), dbSNP rs587780805, ClinGen allele CA10601991.